The following is an entry in ClinVar:

NM_000342.4(SLC4A1):c.1507_1509del (p.Leu503del)

Gene: SLC4A1 (solute carrier family 4 member 1 (Diego blood group); minus strand). Cytogenetic location: 17q21.31.
Variant type: Deletion.
Coding change: c.1507_1509del on transcript NM_000342.4 (MANE Select); coding-DNA positions 1507 to 1509, 3 bases deleted (TTG; older notation c.1507_1509delTTG).
Protein change: p.Leu503del; deletes leucine 503.
Molecular consequence: inframe deletion.
Genome position (GRCh38, 1-based): chr17:44,257,467-44,257,469, CAA deleted on the plus strand (TTG on the coding strand, the reverse complement: SLC4A1 is on the minus strand); deleting any 3 consecutive bases within chr17:44,257,467-44,257,471 gives the same sequence; the c. name uses the placement nearest the transcript's 3' end. VCF-style (leftmost placement, unchanged base first): chr17-44257466-CCAA-C. GRCh37 (hg19) VCF-style: chr17-42334834-CCAA-C.
Other names: p.Leu503del; short protein forms L503del.
Identifiers: ClinVar variation 4542169 (VCV004542169.1).

ClinVar aggregate classification (germline): Uncertain significance (1 of 4 stars; one submission).

Submission:

Mayo Clinic Laboratories, Mayo Clinic
Classification: Uncertain significance. Last evaluated: 2025-07-29. Review status: criteria provided, single submitter. Criteria: ACMG Guidelines, 2015. Collection method: clinical testing. Allele origin: germline. Observed: 1 variant allele.
Comment: PM2_supporting